The following is an entry in ClinVar:

ClinVar aggregate classification (germline): Benign. Review status: criteria provided, multiple submitters, no conflicts (2 of 4 stars). 6 submissions from 6 submitters: Benign (5). 1 of the submissions does not count toward it. Last evaluated 2026-02-01.

Conditions:
Acrocallosal syndrome (ACLS). Also called: HALLUX DUPLICATION, POSTAXIAL POLYDACTYLY, AND ABSENCE OF CORPUS CALLOSUM; Schinzel syndrome 1; Absence of corpus callosum with unusual facial appearance, mental deficiency, duplication of the halluces and polydactyly. Identifiers: Orphanet 36, MedGen C0796147, MONDO:0008708, OMIM 200990.

Allele frequency attached by ClinVar (database versions not stated): gnomAD exomes 0.00072 and 0.00192; ExAC 0.00518; gnomAD 0.00787 and 0.00828; ESP Exome Variant Server 0.00805; TOPMed 0.00855; 1000 Genomes Project 0.01098; 1000 Genomes Project 30x 0.01156.
gnomAD v4.1: 2,299 of 1,563,000 alleles (0.15%); highest among the groups gnomAD compares: African/African-American, 2.6%; 32 homozygotes.

Submissions (6):

Labcorp Genetics (formerly Invitae), Labcorp
Classification: Benign for Acrocallosal syndrome. Last evaluated: 2026-02-01. Review status: criteria provided, single submitter. Criteria: Invitae Variant Classification Sherloc (09022015). Collection method: clinical testing. Allele origin: germline.

Illumina Laboratory Services, Illumina
Classification: Benign for Acrocallosal syndrome. Last evaluated: 2018-01-13. Review status: criteria provided, single submitter. Criteria: ICSL Variant Classification Criteria 13 December 2019. Collection method: clinical testing. Allele origin: germline.
Comment: This variant was observed in the ICSL laboratory as part of a predisposition screen in an ostensibly healthy population. It had not been previously curated by ICSL or reported in the Human Gene Mutation Database (HGMD: prior to June 1st, 2018), and was therefore a candidate for classification through an automated scoring system. Utilizing variant allele frequency, disease prevalence and penetrance estimates, and inheritance mode, an automated score was calculated to assess if this variant is too frequent to cause the disease. Based on the score and internal cut-off values, a variant classified as benign is not then subjected to further curation. The score for this variant resulted in a classification of benign for this disease.

GeneDx
Classification: Benign. Last evaluated: 2016-04-20. Review status: criteria provided, single submitter. Criteria: GeneDx Variant Classification (06012015). Collection method: clinical testing. Allele origin: germline. Affected: yes.
Comment: This variant is considered likely benign or benign based on one or more of the following criteria: it is a conservative change, it occurs at a poorly conserved position in the protein, it is predicted to be benign by multiple in silico algorithms, and/or has population frequency not consistent with disease.

Breakthrough Genomics
Classification: Benign. Review status: criteria provided, single submitter. Criteria: ACMG Guidelines, 2015. Collection method: not provided. Allele origin: germline. Inheritance: Autosomal recessive inheritance. Affected: yes.

PreventionGenetics, part of Exact Sciences
Classification: Benign. Review status: criteria provided, single submitter. Criteria: ACMG Guidelines, 2015. Collection method: clinical testing. Allele origin: germline.

Genetic Services Laboratory, University of Chicago
Classification: Likely benign for AllHighlyPenetrant. Review status: no assertion criteria provided. Collection method: clinical testing. Allele origin: germline. Inheritance: Autosomal recessive inheritance. Not counted in ClinVar's aggregate classification.
Comment: Likely benign based on allele frequency in 1000 Genomes Project or ESP global frequency and its presence in a patient with a rare or unrelated disease phenotype. NOT Sanger confirmed.

NM_198525.3(KIF7):c.3012C>T (p.Arg1004=)

Gene: KIF7 (kinesin family member 7; minus strand). Cytogenetic location: 15q26.1.
Variant type: single nucleotide variant.
Coding change: c.3012C>T on transcript NM_198525.3 (MANE Select); coding-DNA position 3012, C replaced by T.
Protein change: p.Arg1004=; no amino-acid change (arginine 1004 retained).
Molecular consequence: synonymous variant.
Genome position (GRCh38, 1-based): chr15:89,631,594, G>A on the plus strand (C>T on the coding strand, the complement: KIF7 is on the minus strand). VCF-style: chr15-89631594-G-A. GRCh37 (hg19) VCF-style: chr15-90174825-G-A.
Identifiers: ClinVar variation 129414 (VCV000129414.21), dbSNP rs61741227, ClinGen allele CA020323.